The following is an entry in ClinVar:

NM_015295.3(SMCHD1):c.4945C>G (p.Gln1649Glu)

Gene: SMCHD1 (structural maintenance of chromosomes flexible hinge domain containing 1; plus strand). Cytogenetic location: 18p11.32.
Variant type: single nucleotide variant.
Coding change: c.4945C>G on transcript NM_015295.3 (MANE Select); coding-DNA position 4945, C replaced by G.
Protein change: p.Gln1649Glu; replaces glutamine 1649 with glutamic acid.
Molecular consequence: missense variant.
Genome position (GRCh38, 1-based): chr18:2,770,087, C>G. VCF-style: chr18-2770087-C-G. GRCh37 (hg19) VCF-style: chr18-2770085-C-G.
Other names: short protein forms Q1649E.
Identifiers: ClinVar variation 1487148 (VCV001487148.8), dbSNP rs1855678942, ClinGen allele CA401682376.

ClinVar aggregate classification (germline): Uncertain significance (1 of 4 stars; one submission).

Conditions:
Facioscapulohumeral muscular dystrophy 2 (FSHD2). Also called: MUSCULAR DYSTROPHY, FACIOSCAPULOHUMERAL, TYPE 1B; FACIOSCAPULOHUMERAL MUSCULAR DYSTROPHY 2, DIGENIC; FSHD2, DIGENIC. Identifiers: Orphanet 269, MedGen C1834671, MONDO:0008031, OMIM 158901.

Submission:

Labcorp Genetics (formerly Invitae), Labcorp
Classification: Uncertain significance for Facioscapulohumeral muscular dystrophy 2. Last evaluated: 2024-01-15. Review status: criteria provided, single submitter. Criteria: Invitae Variant Classification Sherloc (09022015). Collection method: clinical testing. Allele origin: germline.
Comment: This sequence change replaces glutamine, which is neutral and polar, with glutamic acid, which is acidic and polar, at codon 1649 of the SMCHD1 protein (p.Gln1649Glu). This variant is not present in population databases (gnomAD no frequency). This variant has not been reported in the literature in individuals affected with SMCHD1-related conditions. ClinVar contains an entry for this variant (Variation ID: 1487148). Advanced modeling of protein sequence and biophysical properties (such as structural, functional, and spatial information, amino acid conservation, physicochemical variation, residue mobility, and thermodynamic stability) performed at Invitae indicates that this missense variant is not expected to disrupt SMCHD1 protein function with a negative predictive value of 80%. In summary, the available evidence is currently insufficient to determine the role of this variant in disease. Therefore, it has been classified as a Variant of Uncertain Significance.